The following is an entry in ClinVar:

NM_001012614.2(CTBP1):c.1065C>G (p.Asp355Glu)

Genes: CTBP1 (C-terminal binding protein 1; minus strand), CTBP1-AS (CTBP1 antisense RNA; plus strand). Cytogenetic location: 4p16.3.
Variant type: single nucleotide variant.
Coding change: c.1065C>G on transcript NM_001012614.2 (MANE Select); coding-DNA position 1065, C replaced by G.
Protein change: p.Asp355Glu; replaces aspartic acid 355 with glutamic acid.
Molecular consequence: missense variant.
Genome position (GRCh38, 1-based): chr4:1,212,954, G>C on the plus strand (C>G on the coding strand, the complement: CTBP1 is on the minus strand). VCF-style: chr4-1212954-G-C. GRCh37 (hg19) VCF-style: chr4-1206742-G-C.
Other names: c.1098C>G, p.Asp366Glu (NM_001328.3, NM_001377186.1); c.1065C>G, p.Asp355Glu (NM_001377187.1, NM_001377188.1, NM_001377189.1 and 4 more transcripts); short protein forms D366E, D355E.
Identifiers: ClinVar variation 2115521 (VCV002115521.4), dbSNP rs2535018418, ClinGen allele CA355944654.
Genomic context (GRCh38, chr4:1,212,954, plus strand): 5'-GGCCAGCGGGCCTGCTCACCTATAGGCAGCCCCATTGAGCTCAGGGTGCACGACGGCGGG[G>C]TCCATGCTGGCCCAGTGGGTGGCGGCTGTCAGATGGTCCTTGTTGACACAGTTCTTCAGG-3'
Protein context (NP_001012632.1, residues 345-365): LTAATHWASM[Asp355Glu]PAVVHPELNG

ClinVar aggregate classification (germline): Uncertain significance (1 of 4 stars; one submission).

Submission:

Labcorp Genetics (formerly Invitae), Labcorp
Classification: Uncertain significance. Last evaluated: 2025-06-02. Review status: criteria provided, single submitter. Criteria: Invitae Variant Classification Sherloc (09022015). Collection method: clinical testing. Allele origin: germline.
Comment: This sequence change replaces aspartic acid, which is acidic and polar, with glutamic acid, which is acidic and polar, at codon 366 of the CTBP1 protein (p.Asp366Glu). This variant is not present in population databases (gnomAD no frequency). This variant has not been reported in the literature in individuals affected with CTBP1-related conditions. ClinVar contains an entry for this variant (Variation ID: 2115521). An algorithm developed to predict the effect of missense changes on protein structure and function (PolyPhen-2) suggests that this variant is likely to be tolerated. In summary, the available evidence is currently insufficient to determine the role of this variant in disease. Therefore, it has been classified as a Variant of Uncertain Significance.